The following is an entry in ClinVar:

NM_005475.3(SH2B3):c.894G>C (p.Trp298Cys)

Gene: SH2B3 (SH2B adaptor protein 3; plus strand). Cytogenetic location: 12q24.12.
Variant type: single nucleotide variant.
Coding change: c.894G>C on transcript NM_005475.3 (MANE Select); coding-DNA position 894, G replaced by C.
Protein change: p.Trp298Cys; replaces tryptophan 298 with cysteine.
Molecular consequence: missense variant.
Genome position (GRCh38, 1-based): chr12:111,447,001, G>C. VCF-style: chr12-111447001-G-C. GRCh37 (hg19) VCF-style: chr12-111884805-G-C.
Other names: c.288G>C, p.Trp96Cys (NM_001291424.1); short protein forms W298C, W96C.
Identifiers: ClinVar variation 4164003 (VCV004164003.1).

ClinVar aggregate classification (germline): Uncertain significance (1 of 4 stars; one submission).

Conditions:
Inborn genetic diseases. Identifiers: MedGen C0950123, MeSH D030342.

gnomAD v4.1: 5 of 1,614,098 alleles (0.00031%); highest among the groups gnomAD compares: South Asian, 0.0044%; no homozygotes.

Submission:

Ambry Genetics
Classification: Uncertain significance for Inborn genetic diseases. Last evaluated: 2025-08-23. Review status: criteria provided, single submitter. Criteria: Ambry Variant Classification Scheme 2023. Collection method: clinical testing. Allele origin: germline.
Comment: The p.W298C variant (also known as c.894G>C), located in coding exon 3 of the SH2B3 gene, results from a G to C substitution at nucleotide position 894. The tryptophan at codon 298 is replaced by cysteine, an amino acid with highly dissimilar properties. This amino acid position is conserved. In addition, this alteration is predicted to be deleterious by in silico analysis. Based on the available evidence, the clinical significance of this variant remains unclear.